The following is an entry in ClinVar:

ClinVar aggregate classification (germline): Uncertain significance (1 of 4 stars; one submission).

gnomAD v4.1: 1 of 1,586,782 alleles (0.000063%); highest among the groups gnomAD compares: Non-Finnish European, 0.000085%; no homozygotes.

Submission:

GeneDx
Classification: Uncertain significance. Last evaluated: 2026-04-14. Review status: criteria provided, single submitter. Criteria: GeneDx Variant Classification Process June 2021. Collection method: clinical testing. Allele origin: germline.
Comment: Not observed at significant frequency in large population cohorts (gnomAD); In silico analysis supports that this missense variant has a deleterious effect on protein structure/function; Has not been previously published as pathogenic or benign to our knowledge

NM_001348323.3(TRIP12):c.3641A>G (p.Glu1214Gly)

Gene: TRIP12 (thyroid hormone receptor interactor 12; minus strand). Cytogenetic location: 2q36.3.
Variant type: single nucleotide variant.
Coding change: c.3641A>G on transcript NM_001348323.3 (MANE Select); coding-DNA position 3641, A replaced by G.
Protein change: p.Glu1214Gly; replaces glutamic acid 1214 with glycine.
Molecular consequence: missense variant.
Genome position (GRCh38, 1-based): chr2:229,796,766, T>C on the plus strand (A>G on the coding strand, the complement: TRIP12 is on the minus strand). VCF-style: chr2-229796766-T-C. GRCh37 (hg19) VCF-style: chr2-230661482-T-C.
Other names: c.3560A>G, p.Glu1187Gly (NM_001284214.2, NM_001348315.2); c.3515A>G, p.Glu1172Gly (NM_001284215.2, NM_001348316.2, NM_001348317.1 and 1 more transcripts); c.2606A>G, p.Glu869Gly (NM_001284216.2); c.3641A>G, p.Glu1214Gly (NM_001348319.1, NM_001348320.2, NM_001348322.1 and 4 more transcripts); c.3644A>G, p.Glu1215Gly (NM_001348321.1, NM_001348328.1, NM_001348329.2 and 1 more transcripts); c.3434A>G, p.Glu1145Gly (NM_001348331.1); c.3554A>G, p.Glu1185Gly (NM_001348332.1); c.3563A>G, p.Glu1188Gly (NM_001348333.1); and 1 more; short protein forms E1139G, E1145G, E1172G, E1185G, E1187G, E1188G, E1214G, E1215G.
Identifiers: ClinVar variation 5037188 (VCV005037188.1).